The following is an entry in ClinVar:

NM_006269.2(RP1):c.284T>C (p.Leu95Pro)

Gene: RP1 (RP1 axonemal microtubule associated; plus strand). Cytogenetic location: 8q12.1.
Variant type: single nucleotide variant.
Coding change: c.284T>C on transcript NM_006269.2 (MANE Select); coding-DNA position 284, T replaced by C.
Protein change: p.Leu95Pro; replaces leucine 95 with proline.
Molecular consequence: missense variant.
Genome position (GRCh38, 1-based): chr8:54,621,250, T>C. VCF-style: chr8-54621250-T-C. GRCh37 (hg19) VCF-style: chr8-55533810-T-C.
Other names: c.284T>C, p.Leu95Pro (NM_001375654.1); short protein forms L95P.
Identifiers: ClinVar variation 1716256 (VCV001716256.5), dbSNP rs2536556296, ClinGen allele CA370986158.

ClinVar aggregate classification (germline): Uncertain significance (1 of 4 stars; one submission).

Submission:

Labcorp Genetics (formerly Invitae), Labcorp
Classification: Uncertain significance. Last evaluated: 2022-08-12. Review status: criteria provided, single submitter. Criteria: Invitae Variant Classification Sherloc (09022015). Collection method: clinical testing. Allele origin: germline.
Comment: In summary, the available evidence is currently insufficient to determine the role of this variant in disease. Therefore, it has been classified as a Variant of Uncertain Significance. Algorithms developed to predict the effect of missense changes on protein structure and function (SIFT, PolyPhen-2, Align-GVGD) all suggest that this variant is likely to be disruptive. This variant has not been reported in the literature in individuals affected with RP1-related conditions. This variant is not present in population databases (gnomAD no frequency). This sequence change replaces leucine, which is neutral and non-polar, with proline, which is neutral and non-polar, at codon 95 of the RP1 protein (p.Leu95Pro).